The following is an entry in ClinVar:

NM_001330701.2(AGTPBP1):c.3054C>T (p.Gly1018=)

Gene: AGTPBP1 (ATP/GTP binding carboxypeptidase 1; minus strand). Cytogenetic location: 9q21.33.
Variant type: single nucleotide variant.
Coding change: c.3054C>T on transcript NM_001330701.2 (MANE Select); coding-DNA position 3054, C replaced by T.
Protein change: p.Gly1018=; no amino-acid change (glycine 1018 retained).
Molecular consequence: synonymous variant.
Genome position (GRCh38, 1-based): chr9:85,585,574, G>A on the plus strand (C>T on the coding strand, the complement: AGTPBP1 is on the minus strand). VCF-style: chr9-85585574-G-A. GRCh37 (hg19) VCF-style: chr9-88200489-G-A.
Other names: c.3210C>T, p.Gly1070= (NM_001286715.1); c.3090C>T, p.Gly1030= (NM_001286717.1); c.2934C>T, p.Gly978= (NM_015239.3).
Identifiers: ClinVar variation 4977186 (VCV004977186.1).

ClinVar aggregate classification (germline): Likely benign (1 of 4 stars; one submission).

Conditions:
AGTPBP1-related disorder. Also called: AGTPBP1-related condition.

gnomAD v4.1: 13 of 1,605,224 alleles (0.00081%); highest among the groups gnomAD compares: Non-Finnish European, 0.0011%; no homozygotes.

Submission:

PreventionGenetics, part of Exact Sciences
Classification: Likely benign for AGTPBP1-related condition. Last evaluated: 2026-08-05. Review status: criteria provided, single submitter. Criteria: ACMG Guidelines, 2015. Collection method: clinical testing. Allele origin: germline.
Comment: This variant is classified as likely benign based on ACMG/AMP sequence variant interpretation guidelines (Richards et al. 2015 PMID: 25741868, with internal and published modifications).